The following is an entry in ClinVar:

ClinVar aggregate classification (germline): Uncertain significance (1 of 4 stars; one submission).

Allele frequency attached by ClinVar (database versions not stated): TOPMed below 0.00001; ExAC 0.00001; gnomAD 0.00001.
gnomAD v4.1: 7 of 1,613,850 alleles (0.00043%); highest among the groups gnomAD compares: Middle Eastern, 0.082%; no homozygotes.

Submission:

Labcorp Genetics (formerly Invitae), Labcorp
Classification: Uncertain significance. Last evaluated: 2024-10-30. Review status: criteria provided, single submitter. Criteria: Invitae Variant Classification Sherloc (09022015). Collection method: clinical testing. Allele origin: germline.
Comment: This sequence change replaces threonine, which is neutral and polar, with alanine, which is neutral and non-polar, at codon 943 of the MYO5B protein (p.Thr943Ala). This variant is present in population databases (rs778830477, gnomAD 0.002%). This variant has not been reported in the literature in individuals affected with MYO5B-related conditions. ClinVar contains an entry for this variant (Variation ID: 1947133). Invitae Evidence Modeling of protein sequence and biophysical properties (such as structural, functional, and spatial information, amino acid conservation, physicochemical variation, residue mobility, and thermodynamic stability) indicates that this missense variant is not expected to disrupt MYO5B protein function with a negative predictive value of 80%. In summary, the available evidence is currently insufficient to determine the role of this variant in disease. Therefore, it has been classified as a Variant of Uncertain Significance.

NM_001080467.3(MYO5B):c.2827A>G (p.Thr943Ala)

Gene: MYO5B (myosin VB; minus strand). Cytogenetic location: 18q21.1.
Variant type: single nucleotide variant.
Coding change: c.2827A>G on transcript NM_001080467.3 (MANE Select); coding-DNA position 2827, A replaced by G.
Protein change: p.Thr943Ala; replaces threonine 943 with alanine.
Molecular consequence: missense variant.
Genome position (GRCh38, 1-based): chr18:49,895,159, T>C on the plus strand (A>G on the coding strand, the complement: MYO5B is on the minus strand). VCF-style: chr18-49895159-T-C. GRCh37 (hg19) VCF-style: chr18-47421529-T-C.
Other names: short protein forms T943A.
Identifiers: ClinVar variation 1947133 (VCV001947133.4), dbSNP rs778830477, ClinGen allele CA8960921.